The following is an entry in ClinVar:

ClinVar aggregate classification (germline): Uncertain significance. Review status: criteria provided, multiple submitters, no conflicts (2 of 4 stars). 2 submissions from 2 submitters: Uncertain significance (2). Last evaluated 2024-10-29.

Conditions:
Inborn genetic diseases. Identifiers: MedGen C0950123, MeSH D030342.

Allele frequency attached by ClinVar (database versions not stated): gnomAD 0.00005; TOPMed 0.00007; ESP Exome Variant Server 0.00008; gnomAD exomes 0.00008; ExAC 0.00012.
gnomAD v4.1: 184 of 1,613,802 alleles (0.011%); highest among the groups gnomAD compares: Non-Finnish European, 0.014%; no homozygotes.

Submissions (2):

Ambry Genetics
Classification: Uncertain significance for Inborn genetic diseases. Last evaluated: 2024-10-29. Review status: criteria provided, single submitter. Criteria: Ambry Variant Classification Scheme 2023. Collection method: clinical testing. Allele origin: germline.

Labcorp Genetics (formerly Invitae), Labcorp
Classification: Uncertain significance. Last evaluated: 2022-10-13. Review status: criteria provided, single submitter. Criteria: Invitae Variant Classification Sherloc (09022015). Collection method: clinical testing. Allele origin: germline.
Comment: This sequence change replaces serine, which is neutral and polar, with leucine, which is neutral and non-polar, at codon 2167 of the PCLO protein (p.Ser2167Leu). This variant is present in population databases (rs377569458, gnomAD 0.01%). This variant has not been reported in the literature in individuals affected with PCLO-related conditions. ClinVar contains an entry for this variant (Variation ID: 1449667). Algorithms developed to predict the effect of missense changes on protein structure and function are either unavailable or do not agree on the potential impact of this missense change (SIFT: "Deleterious"; PolyPhen-2: "Not Available"; Align-GVGD: "Class C0"). In summary, the available evidence is currently insufficient to determine the role of this variant in disease. Therefore, it has been classified as a Variant of Uncertain Significance.

NM_033026.6(PCLO):c.6500C>T (p.Ser2167Leu)

Gene: PCLO (piccolo presynaptic cytomatrix protein; minus strand). Cytogenetic location: 7q21.11.
Variant type: single nucleotide variant.
Coding change: c.6500C>T on transcript NM_033026.6 (MANE Select); coding-DNA position 6500, C replaced by T.
Protein change: p.Ser2167Leu; replaces serine 2167 with leucine.
Molecular consequence: missense variant.
Genome position (GRCh38, 1-based): chr7:82,954,453, G>A on the plus strand (C>T on the coding strand, the complement: PCLO is on the minus strand). VCF-style: chr7-82954453-G-A. GRCh37 (hg19) VCF-style: chr7-82583769-G-A.
Other names: c.6500C>T, p.Ser2167Leu (NM_014510.3); c.6500C>T (NM_033026.5); short protein forms S2167L.
Identifiers: ClinVar variation 1449667 (VCV001449667.4), dbSNP rs377569458, ClinGen allele CA4320456.